The following is an entry in ClinVar:

NM_000222.3(KIT):c.2591_2594del (p.Phe863_Ser864insTer)

Gene: KIT (KIT proto-oncogene, receptor tyrosine kinase; plus strand). Cytogenetic location: 4q12.
Variant type: Deletion.
Coding change: c.2591_2594del on transcript NM_000222.3 (MANE Select); coding-DNA positions 2591 to 2594, 4 bases deleted (CTTT; older notation c.2591_2594delCTTT).
Protein change: p.Phe863_Ser864insTer.
Molecular consequence: nonsense.
Genome position (GRCh38, 1-based): chr4:54,736,604-54,736,607, CTTT deleted; deleting any 4 consecutive bases within chr4:54,736,603-54,736,607 gives the same sequence; the c. name uses the placement nearest the transcript's 3' end. VCF-style (leftmost placement, unchanged base first): chr4-54736602-CTCTT-C. GRCh37 (hg19) VCF-style: chr4-55602768-CTCTT-C.
Other names: c.2579_2582del, p.Phe859_Ser860insTer (NM_001093772.2, NM_001385292.1); c.2594_2597del, p.Phe864_Ser865insTer (NM_001385284.1); c.2588_2591del, p.Phe862_Ser863insTer (NM_001385285.1); c.2576_2579del, p.Phe858_Ser859insTer (NM_001385286.1); c.2582_2585del, p.Phe860_Ser861insTer (NM_001385288.1); c.2591_2594del, p.Phe863_Ser864insTer (NM_001385290.1); c.2591_2594delCTTT (NM_000222.2).
Identifiers: ClinVar variation 280912 (VCV000280912.2), dbSNP rs886042030, ClinGen allele CA10602940.

ClinVar aggregate classification (germline): Pathogenic (1 of 4 stars; one submission).

Submission:

GeneDx
Classification: Pathogenic. Last evaluated: 2016-10-10. Review status: criteria provided, single submitter. Criteria: GeneDx Variant Classification (06012015). Collection method: clinical testing. Allele origin: germline. Affected: yes.
Comment: TThe c.2591_2594delCTTT pathogenic variant in the KIT gene has not been reported previously as apathogenic variant nor as a benign variant, to our knowledge. The c.2591_2594delCTTT variantreplaces Serine with a premature termination codon, denoted p.Ser864Ter. This variant is predicted tocause loss of normal protein function either through protein truncation or nonsense-mediated mRNAdecay. The c.2591_2594delCTTT variant was not observed in approximately 6500 individuals ofEuropean and African American ancestry in the NHLBI Exome Sequencing Project, indicating it is nota common benign variant in these populations. We interpret c.2591_2594delCTTT as a pathogenicvariant.